The following is an entry in ClinVar:

NM_032999.4(GTF2I):c.586+5G>A

Genes: GTF2I (general transcription factor IIi; plus strand), GTF2I-AS1 (GTF2I antisense RNA 1; minus strand). Cytogenetic location: 7q11.23.
Variant type: single nucleotide variant.
Coding change: c.586+5G>A on transcript NM_032999.4 (MANE Select); 5 bases into the intron after coding-DNA position 586, G replaced by A.
Molecular consequence: intron variant.
Genome position (GRCh38, 1-based): chr7:74,700,639, G>A. VCF-style: chr7-74700639-G-A. GRCh37 (hg19) VCF-style: chr7-74114969-G-A.
Other names: NC_000007.13:g.74114969G>A; c.586+5G>A (NM_033001.4, NM_001163636.3, NM_033000.4 and 2 more transcripts).
Identifiers: ClinVar variation 4339473 (VCV004339473.3).
Genomic context (GRCh38, chr7:74,700,639, plus strand): 5'-GTTTTGTTTTGTTTTGTTTTAATGCAGACCTTTTTTAGAGCCAAAGAAGCATGTAGGTAA[G>A]TAAGTGCTTTGCTTCCTTGATAGCTGGCTGGCCTCCGTTTTGCTAGATTTTCATACACTT-3'

ClinVar aggregate classification (germline): Pathogenic (1 of 4 stars; one submission).

Submissions (2):

GeneDx
Classification: Pathogenic. Last evaluated: 2025-12-19. Review status: criteria provided, single submitter. Criteria: GeneDx Variant Classification Process June 2021. Collection method: clinical testing. Allele origin: germline.
Comment: Intronic variant directly or indirectly altering the +5 splice site in a gene for which loss of function is a known mechanism of disease, and splice predictors support a deleterious effect; Not observed at significant frequency in large population cohorts (gnomAD); Has not been previously published as pathogenic or benign to our knowledge

Dr. Peter K. Rogan Lab, Western University
No classification provided (evidence only). Condition: Malignant tumor of urinary bladder. Review status: no classification provided. Collection method: in vitro. Allele origin: not applicable. Functional consequence: skipped exon. Not counted in ClinVar's aggregate classification.